The following is an entry in ClinVar:

NM_005876.5(SPEG):c.4091T>C (p.Val1364Ala)

Gene: SPEG (striated muscle enriched protein kinase; plus strand). Cytogenetic location: 2q35.
Variant type: single nucleotide variant.
Coding change: c.4091T>C on transcript NM_005876.5 (MANE Select); coding-DNA position 4091, T replaced by C.
Protein change: p.Val1364Ala; replaces valine 1364 with alanine.
Molecular consequence: missense variant.
Genome position (GRCh38, 1-based): chr2:219,473,040, T>C. VCF-style: chr2-219473040-T-C. GRCh37 (hg19) VCF-style: chr2-220337762-T-C.
Other names: c.4091T>C (NM_005876.4); short protein forms V1364A.
Identifiers: ClinVar variation 1420961 (VCV001420961.6), dbSNP rs774278488, ClinGen allele CA2126389.

ClinVar aggregate classification (germline): Uncertain significance. Review status: criteria provided, multiple submitters, no conflicts (2 of 4 stars). 2 submissions from 2 submitters: Uncertain significance (2). Last evaluated 2024-06-14.

Conditions:
Inborn genetic diseases. Identifiers: MedGen C0950123, MeSH D030342.

Allele frequency attached by ClinVar (database versions not stated): ExAC 0.00001; gnomAD exomes 0.00002 and 0.00004; gnomAD 0.00005; TOPMed 0.00016.
gnomAD v4.1: 21 of 1,613,764 alleles (0.0013%); highest among the groups gnomAD compares: Admixed American, 0.035%; no homozygotes.

Submissions (2):

Ambry Genetics
Classification: Uncertain significance for Inborn genetic diseases. Last evaluated: 2024-06-14. Review status: criteria provided, single submitter. Criteria: Ambry Variant Classification Scheme 2023. Collection method: clinical testing. Allele origin: germline.

Labcorp Genetics (formerly Invitae), Labcorp
Classification: Uncertain significance. Last evaluated: 2022-04-15. Review status: criteria provided, single submitter. Criteria: Invitae Variant Classification Sherloc (09022015). Collection method: clinical testing. Allele origin: germline.
Comment: This sequence change replaces valine, which is neutral and non-polar, with alanine, which is neutral and non-polar, at codon 1364 of the SPEG protein (p.Val1364Ala). This variant is present in population databases (rs774278488, gnomAD 0.02%). This variant has not been reported in the literature in individuals affected with SPEG-related conditions. Algorithms developed to predict the effect of missense changes on protein structure and function output the following: SIFT: "Tolerated"; PolyPhen-2: "Benign"; Align-GVGD: "Class C0". The alanine amino acid residue is found in multiple mammalian species, which suggests that this missense change does not adversely affect protein function. In summary, the available evidence is currently insufficient to determine the role of this variant in disease. Therefore, it has been classified as a Variant of Uncertain Significance.